The following is an entry in ClinVar:

NM_177438.3(DICER1):c.1487C>T (p.Ala496Val)

Gene: DICER1 (dicer 1, ribonuclease III; minus strand). Cytogenetic location: 14q32.13.
Variant type: single nucleotide variant.
Coding change: c.1487C>T on transcript NM_177438.3 (MANE Select); coding-DNA position 1487, C replaced by T.
Protein change: p.Ala496Val; replaces alanine 496 with valine.
Molecular consequence: missense variant.
Genome position (GRCh38, 1-based): chr14:95,117,644, G>A on the plus strand (C>T on the coding strand, the complement: DICER1 is on the minus strand). VCF-style: chr14-95117644-G-A. GRCh37 (hg19) VCF-style: chr14-95583981-G-A.
Other names: c.1487C>T, p.Ala496Val (NM_001195573.1, NM_001271282.3, NM_001291628.2 and 1 more transcripts); c.1487C>T (NM_177438.2); short protein forms A496V.
Identifiers: ClinVar variation 1001905 (VCV001001905.12), dbSNP rs1892595266, ClinGen allele CA390885456.

ClinVar aggregate classification (germline): Uncertain significance. Review status: criteria provided, multiple submitters, no conflicts (2 of 4 stars). 2 submissions from 2 submitters: Uncertain significance (2). Last evaluated 2026-07-06.

Conditions:
DICER1-related tumor predisposition. Also called: DICER1-related pleuropulmonary blastoma cancer predisposition syndrome; DICER1 syndrome. Identifiers: Orphanet 284343, MedGen C3839822, MONDO:0100216.
Hereditary cancer-predisposing syndrome. Also called: Tumor predisposition; Hereditary Cancer Syndrome; Hereditary neoplastic syndrome; Neoplastic Syndromes, Hereditary. Identifiers: Orphanet 140162, MedGen C0027672, MeSH D009386, MONDO:0015356.

Submissions (2):

Ambry Genetics
Classification: Uncertain significance for Hereditary cancer-predisposing syndrome. Last evaluated: 2026-07-06. Review status: criteria provided, single submitter. Criteria: Ambry Variant Classification Scheme 2023. Collection method: clinical testing. Allele origin: germline.
Comment: The p.A496V variant (also known as c.1487C>T), located in coding exon 8 of the DICER1 gene, results from a C to T substitution at nucleotide position 1487. The alanine at codon 496 is replaced by valine, an amino acid with similar properties. This amino acid position is conserved. In addition, this alteration is predicted to be tolerated by in silico analysis. Based on the available evidence, the clinical significance of this variant remains unclear.

Labcorp Genetics (formerly Invitae), Labcorp
Classification: Uncertain significance for DICER1-related tumor predisposition. Last evaluated: 2024-07-03. Review status: criteria provided, single submitter. Criteria: Invitae Variant Classification Sherloc (09022015). Collection method: clinical testing. Allele origin: germline.
Comment: This sequence change replaces alanine, which is neutral and non-polar, with valine, which is neutral and non-polar, at codon 496 of the DICER1 protein (p.Ala496Val). This variant is not present in population databases (gnomAD no frequency). This variant has not been reported in the literature in individuals affected with DICER1-related conditions. ClinVar contains an entry for this variant (Variation ID: 1001905). Advanced modeling of protein sequence and biophysical properties (such as structural, functional, and spatial information, amino acid conservation, physicochemical variation, residue mobility, and thermodynamic stability) performed at Invitae indicates that this missense variant is not expected to disrupt DICER1 protein function with a negative predictive value of 80%. In summary, the available evidence is currently insufficient to determine the role of this variant in disease. Therefore, it has been classified as a Variant of Uncertain Significance.